The following is an entry in ClinVar:

NM_003242.6(TGFBR2):c.1460T>C (p.Met487Thr)

Gene: TGFBR2 (transforming growth factor beta receptor 2; plus strand). Cytogenetic location: 3p24.1.
Variant type: single nucleotide variant.
Coding change: c.1460T>C on transcript NM_003242.6 (MANE Select); coding-DNA position 1460, T replaced by C.
Protein change: p.Met487Thr; replaces methionine 487 with threonine.
Molecular consequence: missense variant.
Genome position (GRCh38, 1-based): chr3:30,688,447, T>C. VCF-style: chr3-30688447-T-C. GRCh37 (hg19) VCF-style: chr3-30729939-T-C.
Other names: c.1568T>C, p.Met523Thr (NM_001407127.1); c.1487T>C, p.Met496Thr (NM_001407128.1); c.1463T>C, p.Met488Thr (NM_001407129.1); c.1457T>C, p.Met486Thr (NM_001407130.1); c.1355T>C, p.Met452Thr (NM_001407132.1, NM_001407133.1, NM_001407134.1 and 2 more transcripts); c.1175T>C, p.Met392Thr (NM_001407137.1); c.1100T>C, p.Met367Thr (NM_001407138.1); c.590T>C, p.Met197Thr (NM_001407139.1); and 2 more; short protein forms M197T, M367T, M392T, M452T, M486T, M487T, M488T, M496T.
Identifiers: ClinVar variation 3073322 (VCV003073322.1), dbSNP rs2125451928, ClinGen allele CA351809324.

ClinVar aggregate classification (germline): Uncertain significance (1 of 4 stars; one submission).

Conditions:
Loeys-Dietz syndrome 2 (LDS2). Also called: TGFBR2-Related Loeys-Dietz Syndrome; AORTIC ANEURYSM, FAMILIAL THORACIC 3; MARFAN SYNDROME, TYPE II; Marfan syndrome, type 2 (formerly); Marfan Syndrome type 2; Marfan like connective tissue disorder. Identifiers: Orphanet 284973, Orphanet 558, MedGen C2674574, MONDO:0012427, OMIM 610168.

Allele frequency attached by ClinVar (database versions not stated): gnomAD exomes 0.00001.

Submission:

All of Us Research Program, National Institutes of Health
Classification: Uncertain significance for Loeys-Dietz syndrome 2. Last evaluated: 2023-09-04. Review status: criteria provided, single submitter. Criteria: ACMG Guidelines, 2015. Collection method: clinical testing. Allele origin: germline. Inheritance: Autosomal dominant inheritance. Observed: 1 variant allele, 1 heterozygote.
Comment: This missense variant replaces methionine with threonine at codon 487 of the TGFBR2 protein. Computational prediction suggests that this variant may have deleterious impact on protein structure and function (internally defined REVEL score threshold >= 0.7, PMID: 27666373). To our knowledge, functional studies have not been reported for this variant. This variant has not been reported in individuals affected with TGFBR2-related disorders in the literature. This variant has not been identified in the general population by the Genome Aggregation Database (gnomAD). The available evidence is insufficient to determine the role of this variant in disease conclusively. Therefore, this variant is classified as a Variant of Uncertain Significance.

This study involves interpretation of variants in research participants for the purpose of population health screening. Participant phenotype was not available at the time of variant classification. Additional details can be found in publication PMID: 35346344, PMCID: PMC8962531